The following is an entry in ClinVar:

NM_005477.3(HCN4):c.1381T>G (p.Trp461Gly)

Gene: HCN4 (hyperpolarization activated cyclic nucleotide gated potassium channel 4; minus strand). Cytogenetic location: 15q24.1.
Variant type: single nucleotide variant.
Coding change: c.1381T>G on transcript NM_005477.3 (MANE Select); coding-DNA position 1381, T replaced by G.
Protein change: p.Trp461Gly; replaces tryptophan 461 with glycine.
Molecular consequence: missense variant.
Genome position (GRCh38, 1-based): chr15:73,329,782, A>C on the plus strand (T>G on the coding strand, the complement: HCN4 is on the minus strand). VCF-style: chr15-73329782-A-C. GRCh37 (hg19) VCF-style: chr15-73622123-A-C.
Other names: short protein forms W461G.
Identifiers: ClinVar variation 2491819 (VCV002491819.5), dbSNP rs1555475992, ClinGen allele CA393094181.

ClinVar aggregate classification (germline): Uncertain significance. Review status: criteria provided, multiple submitters, no conflicts (2 of 4 stars). 2 submissions from 2 submitters: Uncertain significance (2). Last evaluated 2023-03-20.

Conditions:
Brugada syndrome 8 (BRGDA8). Identifiers: Orphanet 130, MedGen C2751083, MONDO:0013148, OMIM 613123.
Cardiovascular phenotype. Identifiers: MedGen CN230736.

Submissions (2):

Labcorp Genetics (formerly Invitae), Labcorp
Classification: Uncertain significance for Brugada syndrome 8. Last evaluated: 2023-03-20. Review status: criteria provided, single submitter. Criteria: Invitae Variant Classification Sherloc (09022015). Collection method: clinical testing. Allele origin: germline.
Comment: This sequence change replaces tryptophan, which is neutral and slightly polar, with glycine, which is neutral and non-polar, at codon 461 of the HCN4 protein (p.Trp461Gly). This variant is not present in population databases (gnomAD no frequency). In summary, the available evidence is currently insufficient to determine the role of this variant in disease. Therefore, it has been classified as a Variant of Uncertain Significance. Advanced modeling of protein sequence and biophysical properties (such as structural, functional, and spatial information, amino acid conservation, physicochemical variation, residue mobility, and thermodynamic stability) performed at Invitae indicates that this missense variant is expected to disrupt HCN4 protein function. This variant has not been reported in the literature in individuals affected with HCN4-related conditions.

Ambry Genetics
Classification: Uncertain significance for Cardiovascular phenotype. Last evaluated: 2023-03-01. Review status: criteria provided, single submitter. Criteria: Ambry Variant Classification Scheme 2023. Collection method: clinical testing. Allele origin: germline.